The following is an entry in ClinVar:

NM_007294.4(BRCA1):c.2434A>G (p.Lys812Glu)

Gene: BRCA1 (BRCA1 DNA repair associated; minus strand). Cytogenetic location: 17q21.31.
Variant type: single nucleotide variant.
Coding change: c.2434A>G on transcript NM_007294.4 (MANE Select); coding-DNA position 2434, A replaced by G.
Protein change: p.Lys812Glu; replaces lysine 812 with glutamic acid.
Molecular consequence: missense variant. On other transcripts: intron variant (137).
Genome position (GRCh38, 1-based): chr17:43,093,097, T>C on the plus strand (A>G on the coding strand, the complement: BRCA1 is on the minus strand). VCF-style: chr17-43093097-T-C. GRCh37 (hg19) VCF-style: chr17-41245114-T-C.
Other names: c.2221A>G, p.Lys741Glu (NM_001407571.1, NM_001407853.1, NM_001407894.1 and 9 more transcripts); c.2434A>G, p.Lys812Glu (NM_001407581.1, NM_001407582.1, NM_001407583.1 and 30 more transcripts); c.2431A>G, p.Lys811Glu (NM_001407587.1, NM_001407590.1, NM_001407591.1 and 22 more transcripts); c.2425A>G, p.Lys809Glu (NM_001407646.1, NM_001407647.1); c.2311A>G, p.Lys771Glu (NM_001407648.1, NM_001407664.1, NM_001407665.1 and 19 more transcripts); c.2308A>G, p.Lys770Glu (NM_001407649.1, NM_001407670.1, NM_001407671.1 and 11 more transcripts); c.2356A>G, p.Lys786Glu (NM_001407653.1, NM_001407654.1, NM_001407655.1 and 4 more transcripts); c.2353A>G, p.Lys785Glu (NM_001407659.1, NM_001407660.1, NM_001407661.1 and 1 more transcripts); and 41 more; short protein forms K684E, K700E, K741E, K770E, K516E, K644E, K723E, K724E.
Identifiers: ClinVar variation 1791205 (VCV001791205.5), dbSNP rs397508968, ClinGen allele CA10597141.

ClinVar aggregate classification (germline): Conflicting classifications of pathogenicity. Review status: criteria provided, conflicting classifications (1 of 4 stars). 3 submissions from 3 submitters: Uncertain significance (2); Likely benign (1). Last evaluated 2024-03-10.

Conditions:
Hereditary cancer-predisposing syndrome. Also called: Hereditary Cancer Syndrome; Hereditary neoplastic syndrome; Tumor predisposition; Neoplastic Syndromes, Hereditary. Identifiers: Orphanet 140162, MedGen C0027672, MeSH D009386, MONDO:0015356.

Submissions (3):

Ambry Genetics
Classification: Uncertain significance for Hereditary cancer-predisposing syndrome. Last evaluated: 2024-03-10. Review status: criteria provided, single submitter. Criteria: Ambry Variant Classification Scheme 2023. Collection method: clinical testing. Allele origin: germline.
Comment: The p.K812E variant (also known as c.2434A>G), located in coding exon 9 of the BRCA1 gene, results from an A to G substitution at nucleotide position 2434. The lysine at codon 812 is replaced by glutamic acid, an amino acid with similar properties. This alteration was not observed in 7,051 unselected female breast cancer patients and was observed with an allele frequency of 0.00009 in 11,241 female controls of Japanese ancestry (Momozawa Y et al. Nat Commun, 2018 10;9:4083). This amino acid position is not well conserved in available vertebrate species. In addition, the in silico prediction for this alteration is inconclusive. Since supporting evidence is limited at this time, the clinical significance of this alteration remains unclear.

GeneDx
Classification: Uncertain significance. Last evaluated: 2024-02-16. Review status: criteria provided, single submitter. Criteria: GeneDx Variant Classification Process June 2021. Collection method: clinical testing. Allele origin: germline. Affected: yes.
Comment: Not observed at significant frequency in large population cohorts (gnomAD); In silico analysis supports that this missense variant has a deleterious effect on protein structure/function; Has not been previously published as pathogenic or benign to our knowledge; Also known as 2553A>G; This variant is associated with the following publications: (PMID: 30287823, 15343273)

University of Washington Department of Laboratory Medicine, University of Washington
Classification: Likely benign for Hereditary cancer-predisposing syndrome. Last evaluated: 2023-03-23. Review status: criteria provided, single submitter. Criteria: Dines et al. (Genet Med. 2020). Collection method: curation. Allele origin: germline.
Comment: Missense variant in a coldspot region where missense variants are very unlikely to be pathogenic (PMID:31911673).

BRCA1 coldspot (exon 11 using historical exon numbering). Reclassification based on statistical prior probability

Literature cited by the submitters: PubMed 30287823 (cited by Ambry Genetics).